The following is an entry in ClinVar:

ClinVar aggregate classification (germline): Uncertain significance (1 of 4 stars; one submission).

Conditions:
Peters plus syndrome. Also called: KRAUSE-KIVLIN SYNDROME. Identifiers: Orphanet 709, MedGen C0796012, MONDO:0009856, OMIM 261540.

Allele frequency attached by ClinVar (database versions not stated): gnomAD 0.00001; TOPMed 0.00003.
gnomAD v4.1: 21 of 1,613,962 alleles (0.0013%); highest among the groups gnomAD compares: Middle Eastern, 0.066%; no homozygotes.

Submission:

Labcorp Genetics (formerly Invitae), Labcorp
Classification: Uncertain significance for Peters plus syndrome. Last evaluated: 2022-07-29. Review status: criteria provided, single submitter. Criteria: Invitae Variant Classification Sherloc (09022015). Collection method: clinical testing. Allele origin: germline.
Comment: This sequence change replaces arginine, which is basic and polar, with glutamine, which is neutral and polar, at codon 445 of the B3GLCT protein (p.Arg445Gln). This variant is present in population databases (rs781624172, gnomAD 0.03%). This variant has not been reported in the literature in individuals affected with B3GLCT-related conditions. Algorithms developed to predict the effect of missense changes on protein structure and function (SIFT, PolyPhen-2, Align-GVGD) all suggest that this variant is likely to be disruptive. In summary, the available evidence is currently insufficient to determine the role of this variant in disease. Therefore, it has been classified as a Variant of Uncertain Significance.

NM_194318.4(B3GLCT):c.1334G>A (p.Arg445Gln)

Gene: B3GLCT (beta 3-glucosyltransferase; plus strand). Cytogenetic location: 13q12.3.
Variant type: single nucleotide variant.
Coding change: c.1334G>A on transcript NM_194318.4 (MANE Select); coding-DNA position 1334, G replaced by A.
Protein change: p.Arg445Gln; replaces arginine 445 with glutamine.
Molecular consequence: missense variant.
Genome position (GRCh38, 1-based): chr13:31,329,505, G>A. VCF-style: chr13-31329505-G-A. GRCh37 (hg19) VCF-style: chr13-31903642-G-A.
Other names: short protein forms R445Q.
Identifiers: ClinVar variation 2063689 (VCV002063689.4), dbSNP rs781624172, ClinGen allele CA6936916.
Genomic context (GRCh38, chr13:31,329,505, plus strand): 5'-TGCAGCAAAATTATATTCAATCAACAAGGAAGCCTAACTCTCTATTTTTCCTGCAGGCTC[G>A]GCCGGTGGATTACCCTAAGGACTACCTTTCTCATCAAGTTCCCATATCGTTCCACAAACA-3'
Protein context (NP_919299.3, residues 435-455): VTHSPLFHQA[Arg445Gln]PVDYPKDYLS